The following is an entry in ClinVar:

ClinVar aggregate classification (germline): Uncertain significance. Review status: criteria provided, multiple submitters, no conflicts (2 of 4 stars). 2 submissions from 2 submitters: Uncertain significance (2). Last evaluated 2025-08-02.

Conditions:
Hereditary cancer-predisposing syndrome. Also called: Neoplastic Syndromes, Hereditary; Tumor predisposition; Hereditary Cancer Syndrome; Hereditary neoplastic syndrome. Identifiers: Orphanet 140162, MedGen C0027672, MeSH D009386, MONDO:0015356.
Ataxia-telangiectasia-like disorder (ATLD). Identifiers: MedGen C1858391, MONDO:0011457.

gnomAD v4.1: 1 of 1,612,954 alleles (0.000062%); no homozygotes.

Submissions (2):

Ambry Genetics
Classification: Uncertain significance for Hereditary cancer-predisposing syndrome. Last evaluated: 2025-08-02. Review status: criteria provided, single submitter. Criteria: Ambry Variant Classification Scheme 2023. Collection method: clinical testing. Allele origin: germline.
Comment: The p.N100T variant (also known as c.299A>C), located in coding exon 3 of the MRE11A gene, results from an A to C substitution at nucleotide position 299. The asparagine at codon 100 is replaced by threonine, an amino acid with similar properties. This amino acid position is highly conserved in available vertebrate species. In addition, the in silico prediction for this alteration is inconclusive. Since supporting evidence is limited at this time, the clinical significance of this alteration remains unclear.

Labcorp Genetics (formerly Invitae), Labcorp
Classification: Uncertain significance for Ataxia-telangiectasia-like disorder. Last evaluated: 2021-03-29. Review status: criteria provided, single submitter. Criteria: Invitae Variant Classification Sherloc (09022015). Collection method: clinical testing. Allele origin: germline.
Comment: In summary, the available evidence is currently insufficient to determine the role of this variant in disease. Therefore, it has been classified as a Variant of Uncertain Significance. Algorithms developed to predict the effect of missense changes on protein structure and function are either unavailable or do not agree on the potential impact of this missense change (SIFT: "Tolerated"; PolyPhen-2: "Probably Damaging"; Align-GVGD: "Class C0"). This variant has not been reported in the literature in individuals with MRE11-related conditions. ClinVar contains an entry for this variant (Variation ID: 483610). This variant is not present in population databases (ExAC no frequency). This sequence change replaces asparagine with threonine at codon 100 of the MRE11 protein (p.Asn100Thr). The asparagine residue is highly conserved and there is a small physicochemical difference between asparagine and threonine.

NM_005591.4(MRE11):c.299A>C (p.Asn100Thr)

Gene: MRE11 (MRE11 double strand break repair nuclease; minus strand). Cytogenetic location: 11q21.
Variant type: single nucleotide variant.
Coding change: c.299A>C on transcript NM_005591.4 (MANE Select); coding-DNA position 299, A replaced by C.
Protein change: p.Asn100Thr; replaces asparagine 100 with threonine.
Molecular consequence: missense variant.
Genome position (GRCh38, 1-based): chr11:94,485,939, T>G on the plus strand (A>C on the coding strand, the complement: MRE11 is on the minus strand). VCF-style: chr11-94485939-T-G. GRCh37 (hg19) VCF-style: chr11-94219105-T-G.
Other names: c.299A>C, p.Asn100Thr (NM_001330347.2, NM_005590.4); short protein forms N100T.
Identifiers: ClinVar variation 483610 (VCV000483610.15), dbSNP rs1270616264, ClinGen allele CA382379425.